The following is an entry in ClinVar:

NM_031885.5(BBS2):c.1530T>A (p.Val510=)

Gene: BBS2 (Bardet-Biedl syndrome 2; minus strand). Cytogenetic location: 16q13.
Variant type: single nucleotide variant.
Coding change: c.1530T>A on transcript NM_031885.5 (MANE Select); coding-DNA position 1530, T replaced by A.
Protein change: p.Val510=; no amino-acid change (valine 510 retained).
Molecular consequence: synonymous variant. On other transcripts: non-coding transcript variant (5).
Genome position (GRCh38, 1-based): chr16:56,498,566, A>T on the plus strand (T>A on the coding strand, the complement: BBS2 is on the minus strand). VCF-style: chr16-56498566-A-T. GRCh37 (hg19) VCF-style: chr16-56532478-A-T.
Other names: c.1530T>A, p.Val510= (NM_001377456.1).
Identifiers: ClinVar variation 4983188 (VCV004983188.1).

ClinVar aggregate classification (germline): Uncertain significance (1 of 4 stars; one submission).

Conditions:
BBS2-related disorder. Also called: BBS2-related disorders; BBS2-related condition. Identifiers: MedGen CN239228.

gnomAD v4.1: 1 of 1,614,080 alleles (0.000062%); highest among the groups gnomAD compares: Non-Finnish European, 0.000085%; no homozygotes.

Submission:

PreventionGenetics, part of Exact Sciences
Classification: Uncertain significance for BBS2-related condition. Last evaluated: 2025-07-30. Review status: criteria provided, single submitter. Criteria: ACMG Guidelines, 2015. Collection method: clinical testing. Allele origin: germline.
Comment: The BBS2 c.1530T>A variant is not predicted to result in an amino acid change (p.=). This variant occurs near the start of exon 13 and splicing prediction programs predict a splicing defect at the consensus site. However, these predictions are not equivalent to functional evidence. To our knowledge, this variant has not been reported in the literature or in gnomAD, indicating this variant is rare. At this time, the clinical significance of this variant is uncertain due to the absence of conclusive functional and genetic evidence.